The following is an entry in ClinVar:

NM_000540.3(RYR1):c.4985A>G (p.His1662Arg)

Gene: RYR1 (ryanodine receptor 1; plus strand). Cytogenetic location: 19q13.2.
Variant type: single nucleotide variant.
Coding change: c.4985A>G on transcript NM_000540.3 (MANE Select); coding-DNA position 4985, A replaced by G.
Protein change: p.His1662Arg; replaces histidine 1662 with arginine.
Molecular consequence: missense variant.
Genome position (GRCh38, 1-based): chr19:38,485,640, A>G. VCF-style: chr19-38485640-A-G. GRCh37 (hg19) VCF-style: chr19-38976280-A-G.
Other names: c.4985A>G (NM_000540.2); c.4985A>G, p.His1662Arg (NM_001042723.2); short protein forms H1662R.
Identifiers: ClinVar variation 999989 (VCV000999989.8), dbSNP rs1969242394, ClinGen allele CA405652847.
Genomic context (GRCh38, chr19:38,485,640, plus strand): 5'-TCTGCTGCAGGTGCATGGACATCCTGGAGCTGTCGGAGCGCCTGGACCTGCAGCGCTTCC[A>G]CTCGCACACCCTGCGCCTCTACCGCGCTGTGTGCGCCCTGGGCAACAATCGCGTGGCGCA-3'
Protein context (NP_000531.2, residues 1652-1672): LSERLDLQRF[His1662Arg]SHTLRLYRAV

ClinVar aggregate classification (germline): Uncertain significance. Review status: criteria provided, multiple submitters, no conflicts (2 of 4 stars). 2 submissions from 2 submitters: Uncertain significance (2). Last evaluated 2021-08-31.

Conditions:
RYR1-related disorder. Also called: RYR1-related condition; RYR1-related disorders. Identifiers: MedGen CN239331.

Submissions (2):

Labcorp Genetics (formerly Invitae), Labcorp
Classification: Uncertain significance for RYR1-related disorder. Last evaluated: 2021-08-31. Review status: criteria provided, single submitter. Criteria: Invitae Variant Classification Sherloc (09022015). Collection method: clinical testing. Allele origin: germline.
Comment: This sequence change replaces histidine with arginine at codon 1662 of the RYR1 protein (p.His1662Arg). The histidine residue is moderately conserved and there is a small physicochemical difference between histidine and arginine. This variant is not present in population databases (ExAC no frequency). This variant has not been reported in the literature in individuals affected with RYR1-related conditions. Advanced modeling of protein sequence and biophysical properties (such as structural, functional, and spatial information, amino acid conservation, physicochemical variation, residue mobility, and thermodynamic stability) performed at Invitae indicates that this missense variant is expected to disrupt RYR1 protein function. In summary, the available evidence is currently insufficient to determine the role of this variant in disease. Therefore, it has been classified as a Variant of Uncertain Significance.

Revvity Omics, Revvity
Classification: Uncertain significance. Last evaluated: 2020-09-01. Review status: criteria provided, single submitter. Criteria: ACMG Guidelines, 2015. Collection method: clinical testing. Allele origin: germline.